The following is an entry in ClinVar:

NM_003793.4(CTSF):c.649C>T (p.Arg217Ter)

Gene: CTSF (cathepsin F; minus strand). Cytogenetic location: 11q13.2.
Variant type: single nucleotide variant.
Coding change: c.649C>T on transcript NM_003793.4 (MANE Select); coding-DNA position 649, C replaced by T.
Protein change: p.Arg217Ter; replaces arginine 217 with a stop codon.
Molecular consequence: nonsense.
Genome position (GRCh38, 1-based): chr11:66,566,363, G>A on the plus strand (C>T on the coding strand, the complement: CTSF is on the minus strand). VCF-style: chr11-66566363-G-A. GRCh37 (hg19) VCF-style: chr11-66333834-G-A.
Other names: short protein forms R217*.
Identifiers: ClinVar variation 588283 (VCV000588283.6), dbSNP rs375562245, ClinGen allele CA6125492.

ClinVar aggregate classification (germline): Pathogenic. Review status: criteria provided, multiple submitters, no conflicts (2 of 4 stars). 2 submissions from 2 submitters: Pathogenic (2). Last evaluated 2025-02-16.

Conditions:
Inborn genetic diseases. Identifiers: MedGen C0950123, MeSH D030342.

Allele frequency attached by ClinVar (database versions not stated): gnomAD exomes below 0.00001; ExAC 0.00001; gnomAD 0.00002; TOPMed 0.00002; ESP Exome Variant Server 0.00008.
gnomAD v4.1: 7 of 1,613,998 alleles (0.00043%); highest among the groups gnomAD compares: Non-Finnish European, 0.00051%; no homozygotes.

Submissions (2):

Laboratory of Genetics, Children's Clinical University Hospital Latvia
Classification: Pathogenic. Last evaluated: 2025-02-16. Review status: criteria provided, single submitter. Criteria: ACMG Guidelines, 2015. Collection method: clinical testing. Allele origin: germline. Affected: yes.

Ambry Genetics
Classification: Pathogenic for Inborn genetic diseases. Last evaluated: 2018-03-22. Review status: criteria provided, single submitter. Criteria: Ambry Variant Classification Scheme 2023. Collection method: clinical testing. Allele origin: germline.
Comment: The p.R217* pathogenic mutation (also known as c.649C>T), located in coding exon 5 of the CTSF gene, results from a C to T substitution at nucleotide position 649. This changes the amino acid from an arginine to a stop codon within coding exon 5. This alteration is expected to result in loss of function by premature protein truncation or nonsense-mediated mRNA decay. As such, this alteration is interpreted as a disease-causing mutation.